The following is an entry in ClinVar:

ClinVar aggregate classification (germline): Likely benign. Review status: criteria provided, single submitter (1 of 4 stars). 2 submissions from 2 submitters: Likely benign (1). 1 of the submissions does not count toward it. Last evaluated 2025-10-14.

Conditions:
HK1-related disorder. Also called: HK1-related condition; HK1-related disorders.

Allele frequency attached by ClinVar (database versions not stated): TOPMed 0.00002; gnomAD exomes 0.00004; ExAC 0.00002; gnomAD 0.00004.
gnomAD v4.1: 117 of 1,610,830 alleles (0.0073%); highest among the groups gnomAD compares: Non-Finnish European, 0.0094%; no homozygotes.

Submissions (2):

Labcorp Genetics (formerly Invitae), Labcorp
Classification: Likely benign. Last evaluated: 2025-10-14. Review status: criteria provided, single submitter. Criteria: Invitae Variant Classification Sherloc (09022015). Collection method: clinical testing. Allele origin: germline.

PreventionGenetics, part of Exact Sciences
Classification: Likely benign for HK1-related condition. Last evaluated: 2024-09-06. Review status: no assertion criteria provided. Collection method: clinical testing. Allele origin: germline. Not counted in ClinVar's aggregate classification.
Comment: This variant is classified as likely benign based on ACMG/AMP sequence variant interpretation guidelines (Richards et al. 2015 PMID: 25741868, with internal and published modifications).

NM_000188.3(HK1):c.1563C>T (p.Asp521=)

Gene: HK1 (hexokinase 1; plus strand). Cytogenetic location: 10q22.1.
Variant type: single nucleotide variant.
Coding change: c.1563C>T on transcript NM_000188.3 (MANE Select); coding-DNA position 1563, C replaced by T.
Protein change: p.Asp521=; no amino-acid change (aspartic acid 521 retained).
Molecular consequence: synonymous variant.
Genome position (GRCh38, 1-based): chr10:69,382,784, C>T. VCF-style: chr10-69382784-C-T. GRCh37 (hg19) VCF-style: chr10-71142540-C-T.
Other names: c.1575C>T, p.Asp525= (NM_001322364.2, NM_001358263.1, NM_033497.3 and 1 more transcripts); c.1668C>T, p.Asp556= (NM_001322365.2); c.1479C>T, p.Asp493= (NM_001322366.1); c.1467C>T, p.Asp489= (NM_001322367.1); c.1560C>T, p.Asp520= (NM_033496.3); c.1527C>T, p.Asp509= (NM_033500.2); c.1563C>T (NM_000188.2).
Identifiers: ClinVar variation 1080028 (VCV001080028.10), dbSNP rs145919021, ClinGen allele CA5532624.